The following is an entry in ClinVar:

ClinVar aggregate classification (germline): Uncertain significance (1 of 4 stars; one submission).

Conditions:
Beckwith-Wiedemann syndrome (BWS). Also called: Exomphalos macroglossia gigantism syndrome; EMG SYNDROME. Identifiers: Orphanet 116, MedGen C0004903, MONDO:0007534, OMIM 130650.

Allele frequency attached by ClinVar (database versions not stated): TOPMed below 0.00001; gnomAD 0.00001.

Submission:

Labcorp Genetics (formerly Invitae), Labcorp
Classification: Uncertain significance for Beckwith-Wiedemann syndrome. Last evaluated: 2020-12-15. Review status: criteria provided, single submitter. Criteria: Invitae Variant Classification Sherloc (09022015). Collection method: clinical testing. Allele origin: germline.
Comment: In summary, the available evidence is currently insufficient to determine the role of this variant in disease. Therefore, it has been classified as a Variant of Uncertain Significance. Algorithms developed to predict the effect of missense changes on protein structure and function are either unavailable or do not agree on the potential impact of this missense change (SIFT: "Tolerated"; PolyPhen-2: "Not Available"; Align-GVGD: "Class C0"). This variant has not been reported in the literature in individuals with CDKN1C-related conditions. The frequency data for this variant in the population databases is considered unreliable, as metrics indicate insufficient coverage at this position in the ExAC database. This sequence change replaces alanine with threonine at codon 293 of the CDKN1C protein (p.Ala293Thr). The alanine residue is weakly conserved and there is a small physicochemical difference between alanine and threonine.

NM_001122630.2(CDKN1C):c.844G>A (p.Ala282Thr)

Gene: CDKN1C (cyclin dependent kinase inhibitor 1C; minus strand). Cytogenetic location: 11p15.4.
Variant type: single nucleotide variant.
Coding change: c.844G>A on transcript NM_001122630.2 (MANE Select); coding-DNA position 844, G replaced by A.
Protein change: p.Ala282Thr; replaces alanine 282 with threonine.
Molecular consequence: missense variant. On other transcripts: synonymous variant (1).
Genome position (GRCh38, 1-based): chr11:2,884,078, C>T on the plus strand (G>A on the coding strand, the complement: CDKN1C is on the minus strand). VCF-style: chr11-2884078-C-T. GRCh37 (hg19) VCF-style: chr11-2905308-C-T.
Other names: c.877G>A, p.Ala293Thr (NM_000076.2, NM_001362474.2); c.844G>A, p.Ala282Thr (NM_001122631.2); c.312G>A, p.Pro104= (NM_001362475.2); short protein forms A282T, A293T.
Identifiers: ClinVar variation 1418203 (VCV001418203.8), dbSNP rs1848879371, ClinGen allele CA379144925.